The following is an entry in ClinVar:

NM_001848.3(COL6A1):c.1462-19G>A

Gene: COL6A1 (collagen type VI alpha 1 chain; plus strand). Cytogenetic location: 21q22.3.
Variant type: single nucleotide variant.
Coding change: c.1462-19G>A on transcript NM_001848.3 (MANE Select); 19 bases into the intron before coding-DNA position 1462, G replaced by A.
Molecular consequence: intron variant.
Genome position (GRCh38, 1-based): chr21:45,997,681, G>A. VCF-style: chr21-45997681-G-A. GRCh37 (hg19) VCF-style: chr21-47417595-G-A.
Identifiers: ClinVar variation 384402 (VCV000384402.10), dbSNP rs191393017, ClinGen allele CA10070343.

ClinVar aggregate classification (germline): Likely benign. Review status: criteria provided, multiple submitters, no conflicts (2 of 4 stars). 3 submissions from 3 submitters: Likely benign (3). Last evaluated 2025-12-01.

Conditions:
Bethlem myopathy 1A. Also called: Bethlem myopathy 1; Bethlem Muscular Dystrophy; MYOPATHY, BENIGN CONGENITAL, WITH CONTRACTURES. Identifiers: Orphanet 610, MedGen CN029274, MONDO:0024530, OMIM 158810.

Allele frequency attached by ClinVar (database versions not stated): gnomAD exomes 0.00004 and 0.00014; gnomAD 0.00011; TOPMed 0.00012; ESP Exome Variant Server 0.00015; 1000 Genomes Project 30x 0.00016; 1000 Genomes Project 0.00020; ExAC 0.00035.
gnomAD v4.1: 77 of 1,578,742 alleles (0.0049%); highest among the groups gnomAD compares: East Asian, 0.033%; no homozygotes.

Submissions (3):

Labcorp Genetics (formerly Invitae), Labcorp
Classification: Likely benign for Bethlem myopathy 1A. Last evaluated: 2025-12-01. Review status: criteria provided, single submitter. Criteria: Invitae Variant Classification Sherloc (09022015). Collection method: clinical testing. Allele origin: germline.

Blueprint Genetics
Classification: Likely benign. Last evaluated: 2024-09-23. Review status: criteria provided, single submitter. Criteria: ACMG Guidelines, 2015. Collection method: clinical testing. Allele origin: germline.

GeneDx
Classification: Likely benign. Last evaluated: 2016-03-12. Review status: criteria provided, single submitter. Criteria: GeneDx Variant Classification (06012015). Collection method: clinical testing. Allele origin: germline. Affected: yes.
Comment: This variant is considered likely benign or benign based on one or more of the following criteria: it is a conservative change, it occurs at a poorly conserved position in the protein, it is predicted to be benign by multiple in silico algorithms, and/or has population frequency not consistent with disease.